The following is an entry in ClinVar:

NM_017739.4(POMGNT1):c.1168G>A (p.Val390Met)

Genes: POMGNT1 (protein O-linked mannose N-acetylglucosaminyltransferase 1 (beta 1,2-); minus strand), TSPAN1 (tetraspanin 1; plus strand). Cytogenetic location: 1p34.1.
Variant type: single nucleotide variant.
Coding change: c.1168G>A on transcript NM_017739.4 (MANE Select); coding-DNA position 1168, G replaced by A.
Protein change: p.Val390Met; replaces valine 390 with methionine.
Molecular consequence: missense variant.
Genome position (GRCh38, 1-based): chr1:46,192,943, C>T on the plus strand (G>A on the coding strand, the complement: POMGNT1 is on the minus strand). VCF-style: chr1-46192943-C-T. GRCh37 (hg19) VCF-style: chr1-46658615-C-T.
Other names: c.1168G>A, p.Val390Met (NM_001243766.2, NM_001410783.1); c.1102G>A, p.Val368Met (NM_001290129.3); c.739G>A, p.Val247Met (NM_001290130.2); short protein forms V368M, V247M, V390M.
Identifiers: ClinVar variation 843769 (VCV000843769.13), dbSNP rs779045970, ClinGen allele CA833447.
Genomic context (GRCh38, chr1:46,192,943, plus strand): 5'-CTAGAGACTCCCCTCACCTGAAAAAATCCACAGCAATGTCCAGGTCCTCTTCCAGAACCA[C>T]AGCAAACTTGGCCTCCTAGAAGGGGAATGGGACATCATGGTCCCAAAGGGGTCTCTCCAT-3'
Protein context (NP_060209.4, residues 380-400): FNLFPEAKFA[Val390Met]VLEEDLDIAV

ClinVar aggregate classification (germline): Uncertain significance (1 of 4 stars; one submission).

Conditions:
Autosomal recessive limb-girdle muscular dystrophy type 2O. Also called: MUSCULAR DYSTROPHY-DYSTROGLYCANOPATHY (LIMB-GIRDLE), TYPE C, 3; MUSCULAR DYSTROPHY-DYSTROGLYCANOPATHY, LIMB-GIRDLE, POMGNT1-RELATED; Limb-Girdle Muscular Dystrophy Type 3C. Identifiers: Orphanet 206564, MedGen C3150417, MONDO:0013161, OMIM 613157.
Muscular dystrophy-dystroglycanopathy (congenital with impaired intellectual development), type B, 3. Also called: MUSCULAR DYSTROPHY, CONGENITAL, POMGNT1-RELATED; Muscular dystrophy-dystroglycanopathy (congenital with intellectual disability), type B3. Identifiers: MedGen C3150412, MONDO:0013155, OMIM 613151.

Allele frequency attached by ClinVar (database versions not stated): gnomAD exomes below 0.00001; ExAC 0.00001.
gnomAD v4.1: 1 of 1,614,216 alleles (0.000062%); highest among the groups gnomAD compares: Non-Finnish European, 0.000085%; no homozygotes.

Submission:

Labcorp Genetics (formerly Invitae), Labcorp
Classification: Uncertain significance for Autosomal recessive limb-girdle muscular dystrophy type 2O; Muscular dystrophy-dystroglycanopathy (congenital with impaired intellectual development), type B, 3. Last evaluated: 2024-10-22. Review status: criteria provided, single submitter. Criteria: Invitae Variant Classification Sherloc (09022015). Collection method: clinical testing. Allele origin: germline.
Comment: This sequence change replaces valine, which is neutral and non-polar, with methionine, which is neutral and non-polar, at codon 390 of the POMGNT1 protein (p.Val390Met). This variant is present in population databases (rs779045970, gnomAD 0.0009%). This variant has not been reported in the literature in individuals affected with POMGNT1-related conditions. ClinVar contains an entry for this variant (Variation ID: 843769). Invitae Evidence Modeling of protein sequence and biophysical properties (such as structural, functional, and spatial information, amino acid conservation, physicochemical variation, residue mobility, and thermodynamic stability) has been performed for this missense variant. However, the output from this modeling did not meet the statistical confidence thresholds required to predict the impact of this variant on POMGNT1 protein function. In summary, the available evidence is currently insufficient to determine the role of this variant in disease. Therefore, it has been classified as a Variant of Uncertain Significance.